The following is an entry in ClinVar:

ClinVar aggregate classification (germline): Uncertain significance (1 of 4 stars; one submission).

Conditions:
Hereditary cancer-predisposing syndrome. Also called: Hereditary Cancer Syndrome; Hereditary neoplastic syndrome; Neoplastic Syndromes, Hereditary; Tumor predisposition. Identifiers: Orphanet 140162, MedGen C0027672, MeSH D009386, MONDO:0015356.

Submission:

Ambry Genetics
Classification: Uncertain significance for Hereditary cancer-predisposing syndrome. Last evaluated: 2022-10-04. Review status: criteria provided, single submitter. Criteria: Ambry Variant Classification Scheme 2023. Collection method: clinical testing. Allele origin: germline.
Comment: The c.1455G>C variant (also known as p.T485T), located in coding exon 11 of the NBN gene, results from a G to C substitution at nucleotide position 1455. This nucleotide substitution does not change the amino acid at codon 485. This nucleotide position is highly conserved in available vertebrate species. In silico splice site analysis for this alteration is inconclusive. Since supporting evidence is limited at this time, the clinical significance of this alteration remains unclear.

NM_002485.5(NBN):c.1455G>C (p.Thr485=)

Gene: NBN (nibrin; minus strand). Cytogenetic location: 8q21.3.
Variant type: single nucleotide variant.
Coding change: c.1455G>C on transcript NM_002485.5 (MANE Select); coding-DNA position 1455, G replaced by C.
Protein change: p.Thr485=; no amino-acid change (threonine 485 retained).
Molecular consequence: synonymous variant.
Genome position (GRCh38, 1-based): chr8:89,953,634, C>G on the plus strand (G>C on the coding strand, the complement: NBN is on the minus strand). VCF-style: chr8-89953634-C-G. GRCh37 (hg19) VCF-style: chr8-90965862-C-G.
Other names: c.1209G>C, p.Thr403= (NM_001024688.3).
Identifiers: ClinVar variation 1773045 (VCV001773045.2), dbSNP rs772864909, ClinGen allele CA462114794.